The following is an entry in ClinVar:

NM_001033855.3(DCLRE1C):c.423A>C (p.Gln141His)

Gene: DCLRE1C (DNA cross-link repair 1C; minus strand). Cytogenetic location: 10p13.
Variant type: single nucleotide variant.
Coding change: c.423A>C on transcript NM_001033855.3 (MANE Select); coding-DNA position 423, A replaced by C.
Protein change: p.Gln141His; replaces glutamine 141 with histidine.
Molecular consequence: missense variant. On other transcripts: non-coding transcript variant (4).
Genome position (GRCh38, 1-based): chr10:14,935,504, T>G on the plus strand (A>C on the coding strand, the complement: DCLRE1C is on the minus strand). VCF-style: chr10-14935504-T-G. GRCh37 (hg19) VCF-style: chr10-14977503-T-G.
Other names: NM_001033855.3(DCLRE1C):c.423A>C; p.Gln141His; c.63A>C, p.Gln21His (NM_001033857.3, NM_001033858.3, NM_001289077.2 and 2 more transcripts); c.78A>C, p.Gln26His (NM_001289076.2, NM_001289078.2, NM_001350966.2 and 1 more transcripts); c.423A>C, p.Gln141His (NM_001350965.2); c.423A>C (NM_001033855.1); short protein forms Q21H, Q141H, Q26H.
Identifiers: ClinVar variation 648065 (VCV000648065.6), dbSNP rs143949881, ClinGen allele CA5416848.

ClinVar aggregate classification (germline): Uncertain significance. Review status: reviewed by expert panel (3 of 4 stars). 4 submissions from 4 submitters: Uncertain significance (1). 3 of the submissions do not count toward it. Last evaluated 2024-06-13.

Conditions:
Inborn genetic diseases. Identifiers: MedGen C0950123, MeSH D030342.
Histiocytic medullary reticulosis. Also called: SEVERE COMBINED IMMUNODEFICIENCY WITH HYPEREOSINOPHILIA; Omenn syndrome. Identifiers: Orphanet 39041, MedGen C2700553, MONDO:0011338, OMIM 603554.
Severe combined immunodeficiency due to DCLRE1C deficiency (RS-SCID). Also called: SCID, AUTOSOMAL RECESSIVE, T CELL-NEGATIVE, B CELL-NEGATIVE, NK CELL-POSITIVE, WITH SENSITIVITY TO IONIZING RADIATION. Identifiers: Orphanet 275, MedGen C1865371, MONDO:0011225, OMIM 602450.

Allele frequency attached by ClinVar (database versions not stated): ExAC 0.00003; TOPMed 0.00003; gnomAD 0.00003; gnomAD exomes 0.00004; ESP Exome Variant Server 0.00008.
gnomAD v4.1: 53 of 1,614,016 alleles (0.0033%); highest among the groups gnomAD compares: Non-Finnish European, 0.0044%; no homozygotes.

Submissions (4):

ClinGen Severe Combined Immunodeficiency Variant Curation Expert Panel, ClinGen
Classification: Uncertain significance for Severe combined immunodeficiency due to DCLRE1C deficiency. Last evaluated: 2024-06-13. Review status: reviewed by expert panel. Criteria: ClinGen SCID ACMG Specifications DCLRE1C V1.0.0. Collection method: curation. Allele origin: germline. Inheritance: Autosomal recessive inheritance.
Comment: The c.423A>C (NM_001033855.3) variant in DCLRE1C is a missense variant predicted to cause substitution of Glutamine by Histidine at amino acid 141 (p.Gln141His). The filtering allele frequency (the upper threshold of the 95% CI of 52/1180004 alleles) of the c.423A>C variant in DCLRE1C is 0.00003422 for European (non-Finnish) chromosomes by gnomAD v4, which is lower than the SCID-VCEP threshold for BS1 (>0.00078) and BA1 (>0.00346) but higher than the threshold (<0.00003266) for PM2_Supporting (BS1 not met, BA1 not met, PM2_Supporting not met). No homozygotes have been observed in gnomAD. To our knowledge, this variant has not been reported in the literature in individuals affected with SCID/DCLRE1C-related conditions or in functional studies. In summary, this variant meets the criteria to be classified as a variant of uncertain significance for autosomal recessive severe combined immunodeficiency due to DCLRE1C deficiency based on the ACMG/AMP criteria applied, as specified by the ClinGen SCID VCEP (specification version 1.0): No criteria were applied.

Ambry Genetics
Classification: Uncertain significance for Inborn genetic diseases. Last evaluated: 2025-06-17. Review status: criteria provided, single submitter. Criteria: Ambry Variant Classification Scheme 2023. Collection method: clinical testing. Allele origin: germline. Not counted in ClinVar's aggregate classification.

Labcorp Genetics (formerly Invitae), Labcorp
Classification: Uncertain significance for Athabaskan severe combined immunodeficiency. Last evaluated: 2022-08-19. Review status: criteria provided, single submitter. Criteria: Invitae Variant Classification Sherloc (09022015). Collection method: clinical testing. Allele origin: germline. Not counted in ClinVar's aggregate classification.
Comment: This sequence change replaces glutamine, which is neutral and polar, with histidine, which is basic and polar, at codon 141 of the DCLRE1C protein (p.Gln141His). This variant is present in population databases (rs143949881, gnomAD 0.009%). This variant has not been reported in the literature in individuals affected with DCLRE1C-related conditions. ClinVar contains an entry for this variant (Variation ID: 648065). Algorithms developed to predict the effect of missense changes on protein structure and function are either unavailable or do not agree on the potential impact of this missense change (SIFT: "Tolerated"; PolyPhen-2: "Possibly Damaging"; Align-GVGD: "Class C0"). In summary, the available evidence is currently insufficient to determine the role of this variant in disease. Therefore, it has been classified as a Variant of Uncertain Significance.

Natera, Inc.
Classification: Uncertain significance for Omenn syndrome. Last evaluated: 2020-09-16. Review status: no assertion criteria provided. Collection method: clinical testing. Allele origin: germline. Not counted in ClinVar's aggregate classification.